The following is an entry in ClinVar:

ClinVar aggregate classification (germline): Pathogenic (1 of 4 stars; one submission).

Conditions:
KDM2A-related neurodevelopmental disorder.

Submission:

Institute of Human Genetics, University of Leipzig Medical Center
Classification: Pathogenic for KDM2A-related neurodevelopmental disorder. Last evaluated: 2025-01-20. Review status: criteria provided, single submitter. Criteria: ACMG Guidelines, 2015. Collection method: research. Allele origin: de novo. Inheritance: Autosomal dominant inheritance. Affected: yes.
Comment: Criteria applied: PVS1, PS2_MOD, PM2

Literature cited by the submitters: DOI 10.1101/2025.03.31.25324695.

NM_012308.3(KDM2A):c.2667del (p.Asp889fs)

Gene: KDM2A (lysine demethylase 2A; plus strand). Cytogenetic location: 11q13.2.
Variant type: Deletion.
Coding change: c.2667del on transcript NM_012308.3 (MANE Select); coding-DNA position 2667, one base deleted (C; older notation c.2667delC).
Protein change: p.Asp889fs; shifts the reading frame from aspartic acid 889.
Molecular consequence: frameshift variant.
Genome position (GRCh38, 1-based): chr11:67,250,697, C deleted. VCF-style (leftmost placement, unchanged base first): chr11-67250696-AC-A. GRCh37 (hg19) VCF-style: chr11-67018167-AC-A.
Other names: c.1350del, p.Asp450fs (NM_001256405.2); short protein forms D450fs, D889fs.
Identifiers: ClinVar variation 3778802 (VCV003778802.1).